The following is an entry in ClinVar:

ClinVar aggregate classification (germline): Uncertain significance (1 of 4 stars; one submission).

Conditions:
Inborn genetic diseases. Identifiers: MedGen C0950123, MeSH D030342.

Submission:

Ambry Genetics
Classification: Uncertain significance for Inborn genetic diseases. Last evaluated: 2025-10-27. Review status: criteria provided, single submitter. Criteria: Ambry Variant Classification Scheme 2023. Collection method: clinical testing. Allele origin: germline.
Comment: The p.D129N variant (also known as c.385G>A), located in coding exon 6 of the DNAL1 gene, results from a G to A substitution at nucleotide position 385. The aspartic acid at codon 129 is replaced by asparagine, an amino acid with highly similar properties. This amino acid position is conserved. In addition, this alteration is predicted to be tolerated by in silico analysis. Based on the available evidence, the clinical significance of this variant remains unclear.

NM_031427.4(DNAL1):c.385G>A (p.Asp129Asn)

Gene: DNAL1 (dynein axonemal light chain 1; plus strand). Cytogenetic location: 14q24.3.
Variant type: single nucleotide variant.
Coding change: c.385G>A on transcript NM_031427.4 (MANE Select); coding-DNA position 385, G replaced by A.
Protein change: p.Asp129Asn; replaces aspartic acid 129 with asparagine.
Molecular consequence: missense variant.
Genome position (GRCh38, 1-based): chr14:73,687,379, G>A. VCF-style: chr14-73687379-G-A. GRCh37 (hg19) VCF-style: chr14-74154082-G-A.
Other names: c.268G>A, p.Asp90Asn (NM_001201366.2); short protein forms D129N, D90N.
Identifiers: ClinVar variation 4617727 (VCV004617727.1).